The following is an entry in ClinVar:

ClinVar aggregate classification (germline): Likely pathogenic (1 of 4 stars; one submission).

Conditions:
Hereditary spastic paraplegia 73. Also called: Spastic paraplegia 73, autosomal dominant. Identifiers: Orphanet 444099, MedGen C5568981, MONDO:0014568, OMIM 616282.

Allele frequency attached by ClinVar (database versions not stated): gnomAD exomes below 0.00001.
gnomAD v4.1: 1 of 1,612,598 alleles (0.000062%); highest among the groups gnomAD compares: Non-Finnish European, 0.000085%; no homozygotes.

Submission:

Labcorp Genetics (formerly Invitae), Labcorp
Classification: Likely pathogenic for Hereditary spastic paraplegia 73. Last evaluated: 2024-10-23. Review status: criteria provided, single submitter. Criteria: Invitae Variant Classification Sherloc (09022015). Collection method: clinical testing. Allele origin: germline.
Comment: This sequence change affects an acceptor splice site in intron 7 of the CPT1C gene. It is expected to disrupt RNA splicing. Variants that disrupt the donor or acceptor splice site typically lead to a loss of protein function (PMID: 16199547), and loss-of-function variants in CPT1C are known to be pathogenic (PMID: 30564185, 30911584). This variant is not present in population databases (gnomAD no frequency). This variant has not been reported in the literature in individuals affected with CPT1C-related conditions. Algorithms developed to predict the effect of sequence changes on RNA splicing suggest that this variant may disrupt the consensus splice site. In summary, the currently available evidence indicates that the variant is pathogenic, but additional data are needed to prove that conclusively. Therefore, this variant has been classified as Likely Pathogenic.

Literature cited by the submitters: PubMed 16199547; PubMed 30564185; PubMed 30911584.

NM_001199753.2(CPT1C):c.694-2A>G

Gene: CPT1C (carnitine palmitoyltransferase 1C; plus strand). Cytogenetic location: 19q13.33.
Variant type: single nucleotide variant.
Coding change: c.694-2A>G on transcript NM_001199753.2 (MANE Select); the canonical splice acceptor site of the intron before coding-DNA position 694, A replaced by G.
Molecular consequence: splice acceptor variant.
Genome position (GRCh38, 1-based): chr19:49,704,708, A>G. VCF-style: chr19-49704708-A-G. GRCh37 (hg19) VCF-style: chr19-50207965-A-G.
Other names: c.694-2A>G (NM_001378485.1, NM_001378483.1, NM_001199752.3 and 7 more transcripts).
Identifiers: ClinVar variation 2831950 (VCV002831950.3), dbSNP rs2514147270, ClinGen allele CA406901856.